The following continues an entry in ClinVar:

NM_007294.4(BRCA1):c.4484G>T (p.Arg1495Met)

Gene: BRCA1. ClinVar aggregate classification (germline): Pathogenic. Pathogenic (26).

Submissions 10 to 18 of 32:

Ambry Genetics
Classification: Pathogenic for Hereditary cancer-predisposing syndrome. Last evaluated: 2024-10-25. Review status: criteria provided, single submitter. Criteria: Ambry Variant Classification Scheme 2023. Collection method: clinical testing. Allele origin: germline.
Comment: The c.4484G>T pathogenic mutation (also known as p.R1495M), located in coding exon 12 of the BRCA1 gene, results from a G to T substitution at nucleotide position 4484. The amino acid change results in arginine to methionine at codon 1495, an amino acid with similar properties. However, this change occurs in the last base pair of coding exon 12, which makes it likely to have some effect on normal mRNA splicing. The c.4484G>T mutation has been reported in hereditary breast and ovarian cancer patients and multiple, independent splicing studies have demonstrated that it leads to exon skipping and predicted premature protein truncation (Ambry internal data; Ozcelik H et al. Hum Mutat, 1999;14:540-1; Aziz S et al. Gynecol. Oncol. 2001 Mar;80:341-5; Yang Y et al. Hum. Mol. Genet. 2003 Sep;12:2121-31; Tommasi S et al. Mutat. Res. 2008 Sep;644:64-70; Caux-Moncoutier V et al. Hum. Mutat. 2011 Mar;32:325-34; Lu W et al. Fam Cancer, 2012 Sep;11:381-5; Houdayer C et al. Hum. Mutat. 2012 Aug;33:1228-38; Lara K et al. Biol. Res. 2012;45:117-30; Ripamonti CB et al. BMC Cancer, 2013 Feb;13:46; Dodova RI et al. BMC Cancer, 2015 Jul;15:523; Maistro S et al. BMC Cancer. 2016 Dec;16:934; Palmero EI et al. Sci Rep, 2018 06;8:9188; Rebbeck TR et al. Hum Mutat, 2018 05;39:593-620; Marchetti C et al. Ann Surg Oncol, 2018 Nov;25:3701-3708; de Souza Timoteo AR et al. Breast Cancer Res Treat, 2018 Dec;172:637-646; Cotrim DP et al. BMC Cancer, 2019 Jan;19:4; Lerner-Ellis J et al. J Cancer Res Clin Oncol, 2021 Mar;147:871-879; Artioli G et al. Gynecol Oncol, 2021 Jun;161:755-761). This mutation was also reported in a patient with endometrial cancer who also had family history of ovarian cancer (Vietri MT et al. Med Oncol, 2021 Jan;38:13). In addition, this alteration has been classified as pathogenic (p>0.99) by multifactorial analysis, which integrates the following lines of evidence to produce a quantitative likelihood of pathogenicity: in silico prediction models, segregation with disease, tumor characteristics, and mutation co-occurrence (Easton DF et al. Am. J. Hum. Genet. 2007 Nov;81:873-83; Lindor NM et al. Hum. Mutat. 2012 Jan;33:8-21; Vallee MP et al. Hum. Mutat. 2012 Jan;33:22-8). Of note, this alteration is also designated as 4603G>T in published literature. This nucleotide position is highly conserved in available vertebrate species. In addition, In silico splice site analysis predicts that this alteration will weaken the native splice donor site. Based on the available evidence, this alteration is classified as a pathogenic mutation.

Color Diagnostics, LLC DBA Color Health
Classification: Pathogenic for Hereditary cancer-predisposing syndrome. Last evaluated: 2024-05-13. Review status: criteria provided, single submitter. Criteria: ACMG Guidelines, 2015. Collection method: clinical testing. Allele origin: germline.
Comment: This missense variant replaces arginine with methionine at codon 1495 and causes a G>T nucleotide substitution at the last nucleotide of exon 13 of the BRCA1 gene. Multiple RNA studies on carrier RNA and minigene splicing assay have consistently found that this variant causes the out-of-frame skipping of exon 13 resulting in a premature termination codon (PMID: 10571952, 12915465, 21120943, 22505045, 23451180, 24607278, 31843900). This variant has been reported in multiple individuals and families affected with breast and ovarian cancer (PMID: 10571952, 18092194, 18159056, 18694767, 21120943, 21324516, 22476429, 23096355, 23374397, 24607278, 27914478, 28423363, 31843900). This variant has been reported with family history and co-segregation likelihood ratios for pathogenicity of 5.28 and 2.42, respectively (PMID: 17924331, 24607278). This variant has been identified in 1/251172 chromosomes in the general population by the Genome Aggregation Database (gnomAD). Loss of BRCA1 function is a known mechanism of disease. Based on the available evidence, this variant is classified as Pathogenic.

Fulgent Genetics
Classification: Pathogenic for Breast-ovarian cancer, familial, susceptibility to, 1; Pancreatic cancer, susceptibility to, 4; Fanconi anemia, complementation group S. Last evaluated: 2024-04-25. Review status: criteria provided, single submitter. Criteria: ACMG Guidelines, 2015. Collection method: clinical testing. Allele origin: germline.

Baylor Genetics
Classification: Pathogenic for Breast-ovarian cancer, familial, susceptibility to, 1. Last evaluated: 2024-03-26. Review status: criteria provided, single submitter. Criteria: ACMG Guidelines, 2015. Collection method: clinical testing. Allele origin: unknown.

All of Us Research Program, National Institutes of Health
Classification: Pathogenic for Breast-ovarian cancer, familial, susceptibility to, 1. Last evaluated: 2024-02-05. Review status: criteria provided, single submitter. Criteria: ACMG Guidelines, 2015. Collection method: clinical testing. Allele origin: germline. Inheritance: Autosomal dominant inheritance. Observed: 2 variant alleles, 2 heterozygotes.
Comment: This missense variant replaces arginine with methionine at codon 1495 and causes a G>T nucleotide substitution at the last nucleotide of exon 13 of the BRCA1 gene. Multiple RNA studies on carrier RNA and minigene splicing assay have consistently found that this variant causes the out-of-frame skipping of exon 13 resulting in a premature termination codon (PMID: 10571952, 12915465, 21120943, 22505045, 23451180, 24607278, 31843900). This variant has been reported in multiple individuals and families affected with breast and ovarian cancer (PMID: 10571952, 18092194, 18159056, 18694767, 21120943, 21324516, 22476429, 23096355, 23374397, 24607278, 27914478, 28423363, 31843900). This variant has been reported with family history and co-segregation likelihood ratios for pathogenicity of 5.28 and 2.42, respectively (PMID: 17924331, 24607278). This variant has been identified in 1/251172 chromosomes in the general population by the Genome Aggregation Database (gnomAD). Loss of BRCA1 function is a known mechanism of disease. Based on the available evidence, this variant is classified as Pathogenic.

This study involves interpretation of variants in research participants for the purpose of population health screening. Participant phenotype was not available at the time of variant classification. Additional details can be found in publication PMID: 35346344, PMCID: PMC8962531

Quest Diagnostics Nichols Institute San Juan Capistrano
Classification: Pathogenic. Last evaluated: 2024-01-11. Review status: criteria provided, single submitter. Criteria: Quest Diagnostics criteria. Collection method: clinical testing. Allele origin: unknown.
Comment: The BRCA1 c.4484G>T (p.Arg1495Met) variant (also known as 4603G>T) is located at an exon/intron junction, and published RNA studies have shown this variant causes deleterious exon skipping (PMIDs: 24607278 (2014), 22505045 (2012), 12915465 (2003)). This variant has been reported in multiple individuals with breast and/or ovarian cancer (PMIDs: 37149903 (2023), 35264596 (2022), 32438681 (2020), 27914478 (2016), 26287763 (2015), 24607278 (2014), 18694767 (2008), 10571952 (1999)), endometrial cancer (PMID: 33484353 (2021)), and pancreatic cancer (PMID: 32885271 (2021)). It has also been characterized as being deleterious in multifactorial analysis studies (PMIDs: 21990134 (2012), 17924331 (2007)). The frequency of this variant in the general population, 0.000004 (1/251172 chromosomes (Genome Aggregation Database)), is consistent with pathogenicity. Based on the available information, this variant is classified as pathogenic.

Laboratory for Molecular Medicine, Mass General Brigham Personalized Medicine
Classification: Pathogenic for Hereditary breast ovarian cancer syndrome. Last evaluated: 2023-05-15. Review status: criteria provided, single submitter. Criteria: ACMG Guidelines, 2015. Collection method: clinical testing. Allele origin: germline. Inheritance: Autosomal dominant inheritance.
Comment: The p.Arg1495Met variant in BRCA1 has been reported in more than 30 individuals with hereditary breast and ovarian cancer (HBOC) and segregated with disease in at least 4 affected relatives from 2 families (Santos 2014 PMID: 24607278, Ripamonti 2013 PMID: 23374397, Breast Cancer Information Core (BIC) database). This variant has also been reported by other clinical laboratories in ClinVar (Variation ID 37598) and has been identified in 0.0009% (1/113592) of European chromosomes by gnomAD; however, this frequency is low enough to be consistent with the frequency of HBOC in the general population. This variant is located in the last three bases of the exon, which is part of the 5’ splice region and several in vitro functional studies using patient RNA and minigene splicing assays have shown that the p.Arg1495Met causes skipping of exon 13 (Colombo 2013 PMID: 23451180, Santos 2014 PMID: 24607278, Houdayer 2012 PMID: 22505045), leading to resulting in a frameshift and resulting in a premature termination codon. In addition, additional variants involving this codon (p.Arg1495Thr and p.Arg1495Lys) have been identified in several individuals with HBOC and are classified as pathogenic in ClinVar by the Evidence-based Network for the Interpretation of Germline Mutant Alleles (ENIGMA) and several clinical laboratories, respectively. In summary, the p.Arg1495Met variant meets criteria to be classified as pathogenic for autosomal dominant HBOC. ACMG/AMP Criteria applied: PS4, PM2_Supporting, PM5, PP1, PS3_Moderate.

CHEO Genetics Diagnostic Laboratory, Children's Hospital of Eastern Ontario
Classification: Pathogenic for Breast and/or ovarian cancer. Last evaluated: 2022-06-28. Review status: criteria provided, single submitter. Criteria: ACMG Guidelines, 2015. Collection method: clinical testing. Allele origin: germline. Study: Canadian Open Genetics Repository.

GeneDx
Classification: Pathogenic. Last evaluated: 2022-01-04. Review status: criteria provided, single submitter. Criteria: GeneDx Variant Classification Process June 2021. Collection method: clinical testing. Allele origin: germline. Affected: yes.
Comment: Published splicing studies demonstrate a damaging effect: Exonic splice resulting in out-of-frame skipping of exon 13, as well as minor amounts of transcript with in-frame skipping of exons 13-14 (also referred to as exons 14 and 15 in the literature) (Ozcelik 1999, Yang 2003, Houdayer 2012, Colombo 2013, Santos 2014); Observed in multiple individuals with personal and/or family histories of breast and ovarian cancer, segregating with cancer in at least one of these families (Aziz 2001, Caux-Moncoutier 2011, Zhang 2011, Lara 2012, Ripamonti 2013, Santos 2014, Pal 2015, Finch 2015, Pellegrino 2016, Brianese 2017); Multifactorial studies suggest this variant is associated with breast and ovarian cancer (Lindor 2012); Not observed at significant frequency in large population cohorts (gnomAD); Also known as 4603G>T; This variant is associated with the following publications: (PMID: 25782689, 21324516, 27163896, 12915465, 26219728, 10571952, 21447777, 26913838, 23374397, 24607278, 26287763, 21120943, 25896959, 24916970, 18092194, 23096355, 17924331, 27914478, 27225819, 29116469, 28465148, 28475402, 28781887, 30283497, 29907814, 28423363, 31013702, 30606148, 30765603, 30159786, 22505045, 32885271, 29446198, 11263928, 33087888, 23451180, 32427313, 30787465, 21990134, 15343273, 22737296)